The following is an entry in ClinVar:

NM_001372066.1(TFAP2A):c.1145A>G (p.Asn382Ser)

Gene: TFAP2A (transcription factor AP-2 alpha; minus strand). Cytogenetic location: 6p24.3.
Variant type: single nucleotide variant.
Coding change: c.1145A>G on transcript NM_001372066.1 (MANE Select); coding-DNA position 1145, A replaced by G.
Protein change: p.Asn382Ser; replaces asparagine 382 with serine.
Molecular consequence: missense variant.
Genome position (GRCh38, 1-based): chr6:10,398,592, T>C on the plus strand (A>G on the coding strand, the complement: TFAP2A is on the minus strand). VCF-style: chr6-10398592-T-C. GRCh37 (hg19) VCF-style: chr6-10398825-T-C.
Other names: NM_003220.2:c.1139A>G; c.1121A>G, p.Asn374Ser (NM_001032280.3); c.1127A>G, p.Asn376Ser (NM_001042425.3); short protein forms N374S, N382S, N376S.
Identifiers: ClinVar variation 3455607 (VCV003455607.2).

ClinVar aggregate classification (germline): Uncertain significance. Review status: criteria provided, multiple submitters, no conflicts (2 of 4 stars). 2 submissions from 2 submitters: Uncertain significance (2). Last evaluated 2025-06-13.

Conditions:
TFAP2A-related disorder. Also called: TFAP2A-related condition.
Inborn genetic diseases. Identifiers: MedGen C0950123, MeSH D030342.

gnomAD v4.1: 2 of 1,613,904 alleles (0.00012%); highest among the groups gnomAD compares: South Asian, 0.0011%; no homozygotes.

Submissions (2):

PreventionGenetics, part of Exact Sciences
Classification: Uncertain significance for TFAP2A-related condition. Last evaluated: 2025-06-13. Review status: criteria provided, single submitter. Criteria: ACMG Guidelines, 2015. Collection method: clinical testing. Allele origin: germline.
Comment: The TFAP2A c.1139A>G variant is predicted to result in the amino acid substitution p.Asn380Ser. To our knowledge, this variant has not been reported in the literature or in a large population database (gnomAD), indicating this variant is rare. At this time, the clinical significance of this variant is uncertain due to the absence of conclusive functional and genetic evidence.

Ambry Genetics
Classification: Uncertain significance for Inborn genetic diseases. Last evaluated: 2024-06-26. Review status: criteria provided, single submitter. Criteria: Ambry Variant Classification Scheme 2023. Collection method: clinical testing. Allele origin: germline.